The following is an entry in ClinVar:

NM_007194.4(CHEK2):c.319+2T>G

Gene: CHEK2 (checkpoint kinase 2; minus strand). Cytogenetic location: 22q12.1.
Variant type: single nucleotide variant.
Coding change: c.319+2T>G on transcript NM_007194.4 (MANE Select); the canonical splice donor site of the intron after coding-DNA position 319, T replaced by G.
Molecular consequence: splice donor variant. On other transcripts: intron variant (1).
Genome position (GRCh38, 1-based): chr22:28,734,401, A>C on the plus strand (T>G on the coding strand, the complement: CHEK2 is on the minus strand). VCF-style: chr22-28734401-A-C. GRCh37 (hg19) VCF-style: chr22-29130389-A-C.
Other names: c.-345+7368T>G (NM_001437942.1); c.319+2T>G (NM_001349956.3, NM_145862.3, NM_001438295.1 and 3 more transcripts); c.-459+2T>G (NM_001257387.3).
Identifiers: ClinVar variation 1473193 (VCV001473193.9), dbSNP rs587782401, ClinGen allele CA411090142.
Genomic context (GRCh38, chr22:28,734,401, plus strand): 5'-ATACAACTTTCTGTAAGTGTTTTTCTGAACAAAACGTGATACTATACAACAAAGGGTCTT[A>C]CCAAGATTGGCAAATCCATCCTGAAGGGCCCATAATCGAGCCCAGGGGGCAGGGGTAGGC-3'

ClinVar aggregate classification (germline): Likely pathogenic (1 of 4 stars; one submission).

Conditions:
Familial cancer of breast. Also called: hereditary breast carcinoma; BREAST CANCER, FAMILIAL; Hereditary breast cancer. Identifiers: Orphanet 227535, MedGen C0346153, MONDO:0016419, OMIM 114480. Disease mechanism: loss of function.

Submission:

Labcorp Genetics (formerly Invitae), Labcorp
Classification: Likely pathogenic for Familial cancer of breast. Last evaluated: 2023-09-14. Review status: criteria provided, single submitter. Criteria: Invitae Variant Classification Sherloc (09022015). Collection method: clinical testing. Allele origin: germline.
Comment: This sequence change affects a donor splice site in intron 2 of the CHEK2 gene. It is expected to disrupt RNA splicing. Variants that disrupt the donor or acceptor splice site typically lead to a loss of protein function (PMID: 16199547), and loss-of-function variants in CHEK2 are known to be pathogenic (PMID: 21876083, 24713400). This variant is not present in population databases (gnomAD no frequency). Disruption of this splice site has been observed in individual(s) with thyroid cancer, colorectal cancer, and breast and/or ovarian cancer (PMID: 26681312, 27696107, 28608266, 30333958, 30927251). ClinVar contains an entry for this variant (Variation ID: 1473193). Algorithms developed to predict the effect of sequence changes on RNA splicing suggest that this variant may disrupt the consensus splice site. In summary, the currently available evidence indicates that the variant is pathogenic, but additional data are needed to prove that conclusively. Therefore, this variant has been classified as Likely Pathogenic.

Literature cited by the submitters: PubMed 16199547; PubMed 21876083; PubMed 24713400; PubMed 26681312; PubMed 27696107; PubMed 28608266; PubMed 30333958; PubMed 30927251.